The following is an entry in ClinVar:

NM_001009944.3(PKD1):c.335C>T (p.Ala112Val)

Gene: PKD1 (polycystin 1, transient receptor potential channel interacting; minus strand). Cytogenetic location: 16p13.3.
Variant type: single nucleotide variant.
Coding change: c.335C>T on transcript NM_001009944.3 (MANE Select); coding-DNA position 335, C replaced by T.
Protein change: p.Ala112Val; replaces alanine 112 with valine.
Molecular consequence: missense variant.
Genome position (GRCh38, 1-based): chr16:2,119,138, G>A on the plus strand (C>T on the coding strand, the complement: PKD1 is on the minus strand). VCF-style: chr16-2119138-G-A. GRCh37 (hg19) VCF-style: chr16-2169139-G-A.
Other names: c.335C>T, p.Ala112Val (NM_000296.4); c.335C>T (NM_000296.3); short protein forms A112V.
Identifiers: ClinVar variation 3350874 (VCV003350874.2).

ClinVar aggregate classification (germline): Uncertain significance. Review status: criteria provided, single submitter (1 of 4 stars). 2 submissions from 2 submitters: Uncertain significance (1). 1 of the submissions does not count toward it. Last evaluated 2025-04-02.

Conditions:
PKD1-related disorder. Also called: PKD1-related condition.
Inborn genetic diseases. Identifiers: MedGen C0950123, MeSH D030342.

gnomAD v4.1: 5 of 1,405,020 alleles (0.00036%); highest among the groups gnomAD compares: Non-Finnish European, 0.0004%; no homozygotes.

Submissions (2):

Ambry Genetics
Classification: Uncertain significance for Inborn genetic diseases. Last evaluated: 2025-04-02. Review status: criteria provided, single submitter. Criteria: Ambry Variant Classification Scheme 2023. Collection method: clinical testing. Allele origin: germline.

PreventionGenetics, part of Exact Sciences
Classification: Uncertain significance for PKD1-related condition. Last evaluated: 2024-03-14. Review status: no assertion criteria provided. Collection method: clinical testing. Allele origin: germline. Not counted in ClinVar's aggregate classification.
Comment: The PKD1 c.335C>T variant is predicted to result in the amino acid substitution p.Ala112Val. To our knowledge, this variant has not been reported in the literature or in a large population database, indicating this variant is rare. At this time, the clinical significance of this variant is uncertain due to the absence of conclusive functional and genetic evidence.